The following is an entry in ClinVar:

NM_000059.4(BRCA2):c.6129del (p.Gly2044fs)

Gene: BRCA2 (BRCA2 DNA repair associated; plus strand). Cytogenetic location: 13q13.1.
Variant type: Deletion.
Coding change: c.6129del on transcript NM_000059.4 (MANE Select); coding-DNA position 6129, one base deleted (A; older notation c.6129delA).
Protein change: p.Gly2044fs; shifts the reading frame from glycine 2044.
Molecular consequence: frameshift variant.
Genome position (GRCh38, 1-based): chr13:32,340,484, A deleted; the last of 5 consecutive A bases (chr13:32,340,480-32,340,484); deleting any one gives the same sequence. VCF-style (leftmost placement, unchanged base first): chr13-32340479-CA-C. GRCh37 (hg19) VCF-style: chr13-32914616-CA-C.
Other names: 6357delA; c.6129delA (NM_000059.3); short protein forms G2044fs.
Identifiers: ClinVar variation 266924 (VCV000266924.12), dbSNP rs80359561, ClinGen allele CA10589355.

ClinVar aggregate classification (germline): Pathogenic. Review status: reviewed by expert panel (3 of 4 stars). 4 submissions from 4 submitters: Pathogenic (1). 3 of the submissions do not count toward it. Last evaluated 2016-10-18.

Conditions:
Hereditary cancer-predisposing syndrome. Also called: Neoplastic Syndromes, Hereditary; Hereditary Cancer Syndrome; Tumor predisposition; Hereditary neoplastic syndrome. Identifiers: Orphanet 140162, MedGen C0027672, MeSH D009386, MONDO:0015356.
Hereditary breast ovarian cancer syndrome. Also called: Hereditary breast and ovarian cancer; BRCA1- and BRCA2-Associated Hereditary Breast and Ovarian Cancer; Hereditary breast and ovarian cancer syndrome; Hereditary breast and ovarian cancer syndrome (HBOC); Breast and ovarian cancer; Hereditary breast and/or ovarian cancer syndrome. Identifiers: Orphanet 145, MedGen C0677776, MeSH D061325, MONDO:0003582. Disease mechanism: loss of function.
Breast-ovarian cancer, familial, susceptibility to, 2 (BROVCA2). Also called: BRCA2 Hereditary Breast and Ovarian Cancer. Identifiers: Orphanet 145, MedGen C2675520, MONDO:0012933, OMIM 612555. Disease mechanism: loss of function.

Submissions (4):

Evidence-based Network for the Interpretation of Germline Mutant Alleles (ENIGMA)
Classification: Pathogenic for Breast-ovarian cancer, familial, susceptibility to, 2. Last evaluated: 2016-10-18. Review status: reviewed by expert panel. Criteria: ENIGMA BRCA1/2 Classification Criteria (2015). Collection method: curation. Allele origin: germline.
Comment: Variant allele predicted to encode a truncated non-functional protein.

Ambry Genetics
Classification: Pathogenic for Hereditary cancer-predisposing syndrome. Last evaluated: 2026-05-18. Review status: criteria provided, single submitter. Criteria: Ambry Variant Classification Scheme 2023. Collection method: clinical testing. Allele origin: germline. Not counted in ClinVar's aggregate classification.
Comment: The c.6129delA pathogenic mutation, located in coding exon 10 of the BRCA2 gene, results from a deletion of one nucleotide at nucleotide position 6129, causing a translational frameshift with a predicted alternate stop codon (p.G2044Afs*7). This variant is considered to be rare based on population cohorts in the Genome Aggregation Database (gnomAD). This alteration is expected to result in loss of function by premature protein truncation or nonsense-mediated mRNA decay. As such, this alteration is interpreted as a disease-causing mutation.

Labcorp Genetics (formerly Invitae), Labcorp
Classification: Pathogenic for Hereditary breast ovarian cancer syndrome. Last evaluated: 2022-08-09. Review status: criteria provided, single submitter. Criteria: Invitae Variant Classification Sherloc (09022015). Collection method: clinical testing. Allele origin: germline. Not counted in ClinVar's aggregate classification.
Comment: This sequence change creates a premature translational stop signal (p.Gly2044Alafs*7) in the BRCA2 gene. It is expected to result in an absent or disrupted protein product. Loss-of-function variants in BRCA2 are known to be pathogenic (PMID: 20104584). This variant is not present in population databases (gnomAD no frequency). This premature translational stop signal has been observed in individual(s) with a personal and/or family history of breast and/or ovarian cancer (PMID: 23479189, 31771539). This variant is also known as c.6129delA (p.Thr2042ThrfsX9). For these reasons, this variant has been classified as Pathogenic. ClinVar contains an entry for this variant (Variation ID: 266924).

Consortium of Investigators of Modifiers of BRCA1/2 (CIMBA), c/o University of Cambridge
Classification: Pathogenic for Breast-ovarian cancer, familial, susceptibility to, 2. Last evaluated: 2015-10-02. Review status: criteria provided, single submitter. Criteria: CIMBA Mutation Classification guidelines May 2016. Collection method: clinical testing. Allele origin: germline. Not counted in ClinVar's aggregate classification.

Literature cited by the submitters: PubMed 20104584 (cited by Labcorp Genetics (formerly Invitae), Labcorp); PubMed 23479189 (cited by Labcorp Genetics (formerly Invitae), Labcorp); PubMed 31771539 (cited by Labcorp Genetics (formerly Invitae), Labcorp).